The following is an entry in ClinVar:

NM_001004334.4(GPR179):c.1528G>A (p.Val510Met)

Gene: GPR179 (G protein-coupled receptor 179; minus strand). Cytogenetic location: 17q12.
Variant type: single nucleotide variant.
Coding change: c.1528G>A on transcript NM_001004334.4 (MANE Select); coding-DNA position 1528, G replaced by A.
Protein change: p.Val510Met; replaces valine 510 with methionine.
Molecular consequence: missense variant.
Genome position (GRCh38, 1-based): chr17:38,335,150, C>T on the plus strand (G>A on the coding strand, the complement: GPR179 is on the minus strand). VCF-style: chr17-38335150-C-T. GRCh37 (hg19) VCF-style: chr17-36491033-C-T.
Other names: short protein forms V510M.
Identifiers: ClinVar variation 1484480 (VCV001484480.5), dbSNP rs146044193, ClinGen allele CA290108662.

ClinVar aggregate classification (germline): Uncertain significance. Review status: criteria provided, multiple submitters, no conflicts (2 of 4 stars). 2 submissions from 2 submitters: Uncertain significance (2). Last evaluated 2024-11-27.

Allele frequency attached by ClinVar (database versions not stated): TOPMed 0.00024; gnomAD 0.00029 and 0.00030; gnomAD exomes 0.00029; 1000 Genomes Project 30x 0.00031; 1000 Genomes Project 0.00040; ESP Exome Variant Server 0.00047; ExAC 0.00048.
gnomAD v4.1: 359 of 1,589,906 alleles (0.023%); highest among the groups gnomAD compares: South Asian, 0.04%; 1 homozygote.

Submissions (2):

Blueprint Genetics
Classification: Uncertain significance. Last evaluated: 2024-11-27. Review status: criteria provided, single submitter. Criteria: ACMG Guidelines, 2015. Collection method: clinical testing. Allele origin: germline.

Labcorp Genetics (formerly Invitae), Labcorp
Classification: Uncertain significance. Last evaluated: 2024-01-11. Review status: criteria provided, single submitter. Criteria: Invitae Variant Classification Sherloc (09022015). Collection method: clinical testing. Allele origin: germline.
Comment: This sequence change replaces valine, which is neutral and non-polar, with methionine, which is neutral and non-polar, at codon 510 of the GPR179 protein (p.Val510Met). This variant is present in population databases (rs146044193, gnomAD 0.05%), including at least one homozygous and/or hemizygous individual. This variant has not been reported in the literature in individuals affected with GPR179-related conditions. ClinVar contains an entry for this variant (Variation ID: 1484480). An algorithm developed to predict the effect of missense changes on protein structure and function (PolyPhen-2) suggests that this variant is likely to be disruptive. In summary, the available evidence is currently insufficient to determine the role of this variant in disease. Therefore, it has been classified as a Variant of Uncertain Significance.